The following is an entry in ClinVar:

ClinVar aggregate classification (germline): Uncertain significance (1 of 4 stars; one submission).

Allele frequency attached by ClinVar (database versions not stated): gnomAD exomes below 0.00001; TOPMed below 0.00001; gnomAD 0.00002.
gnomAD v4.1: 4 of 1,602,368 alleles (0.00025%); highest among the groups gnomAD compares: African/African-American, 0.0053%; no homozygotes.

Submission:

Labcorp Genetics (formerly Invitae), Labcorp
Classification: Uncertain significance. Last evaluated: 2022-08-22. Review status: criteria provided, single submitter. Criteria: Invitae Variant Classification Sherloc (09022015). Collection method: clinical testing. Allele origin: germline.
Comment: In summary, the available evidence is currently insufficient to determine the role of this variant in disease. Therefore, it has been classified as a Variant of Uncertain Significance. Algorithms developed to predict the effect of missense changes on protein structure and function (SIFT, PolyPhen-2, Align-GVGD) all suggest that this variant is likely to be tolerated. This variant has not been reported in the literature in individuals affected with SIX6-related conditions. This variant is not present in population databases (gnomAD no frequency). This sequence change replaces glycine, which is neutral and non-polar, with arginine, which is basic and polar, at codon 31 of the SIX6 protein (p.Gly31Arg).

NM_007374.3(SIX6):c.91G>C (p.Gly31Arg)

Genes: C14orf39 (chromosome 14 open reading frame 39; minus strand), SIX6 (SIX homeobox 6; plus strand). Cytogenetic location: 14q23.1.
Variant type: single nucleotide variant.
Coding change: c.91G>C on transcript NM_007374.3 (MANE Select); coding-DNA position 91, G replaced by C.
Protein change: p.Gly31Arg; replaces glycine 31 with arginine.
Molecular consequence: missense variant.
Genome position (GRCh38, 1-based): chr14:60,509,489, G>C. VCF-style: chr14-60509489-G-C. GRCh37 (hg19) VCF-style: chr14-60976207-G-C.
Other names: short protein forms G31R.
Identifiers: ClinVar variation 2171353 (VCV002171353.4), dbSNP rs1296136036, ClinGen allele CA390086178.